The following is an entry in ClinVar:

ClinVar aggregate classification (germline): Uncertain significance (1 of 4 stars; one submission).

Conditions:
Diamond-Blackfan anemia. Also called: Blackfan Diamond syndrome; Aregenerative anemia chronic congenital; Red cell aplasia, pure hereditary; Congenital hypoplastic anemia; Aase syndrome. Identifiers: Orphanet 124, MedGen C1260899, MeSH D029503, MONDO:0015253, HP:0004810.
GATA binding protein 1 related thrombocytopenia with dyserythropoiesis. Also called: GATA1-Related Cytopenia; GATA1-Related X-Linked Cytopenia. Identifiers: MedGen C1845837, MONDO:0100089.

Submission:

Labcorp Genetics (formerly Invitae), Labcorp
Classification: Uncertain significance for GATA binding protein 1 related thrombocytopenia with dyserythropoiesis; Diamond-Blackfan anemia. Last evaluated: 2023-05-05. Review status: criteria provided, single submitter. Criteria: Invitae Variant Classification Sherloc (09022015). Collection method: clinical testing. Allele origin: germline.
Comment: This sequence change replaces glycine, which is neutral and non-polar, with aspartic acid, which is acidic and polar, at codon 392 of the GATA1 protein (p.Gly392Asp). This variant is not present in population databases (gnomAD no frequency). This variant has not been reported in the literature in individuals affected with GATA1-related conditions. An algorithm developed to predict the effect of missense changes on protein structure and function (PolyPhen-2) suggests that this variant is likely to be tolerated. In summary, the available evidence is currently insufficient to determine the role of this variant in disease. Therefore, it has been classified as a Variant of Uncertain Significance.

NM_002049.4(GATA1):c.1175G>A (p.Gly392Asp)

Gene: GATA1 (GATA binding protein 1; plus strand). Cytogenetic location: Xp11.23.
Variant type: single nucleotide variant.
Coding change: c.1175G>A on transcript NM_002049.4 (MANE Select); coding-DNA position 1175, G replaced by A.
Protein change: p.Gly392Asp; replaces glycine 392 with aspartic acid.
Molecular consequence: missense variant.
Genome position (GRCh38, 1-based): chrX:48,794,097, G>A. VCF-style: chrX-48794097-G-A. GRCh37 (hg19) VCF-style: chrX-48652504-G-A.
Other names: short protein forms G392D.
Identifiers: ClinVar variation 2937625 (VCV002937625.3), dbSNP rs781816862, ClinGen allele CA10404710.